The following is an entry in ClinVar:

NM_002860.4(ALDH18A1):c.2345A>C (p.Tyr782Ser)

Gene: ALDH18A1 (aldehyde dehydrogenase 18 family member A1; minus strand). Cytogenetic location: 10q24.1.
Variant type: single nucleotide variant.
Coding change: c.2345A>C on transcript NM_002860.4 (MANE Select); coding-DNA position 2345, A replaced by C.
Protein change: p.Tyr782Ser; replaces tyrosine 782 with serine.
Molecular consequence: missense variant.
Genome position (GRCh38, 1-based): chr10:95,606,805, T>G on the plus strand (A>C on the coding strand, the complement: ALDH18A1 is on the minus strand). VCF-style: chr10-95606805-T-G. GRCh37 (hg19) VCF-style: chr10-97366562-T-G.
Other names: c.2339A>C, p.Tyr780Ser (NM_001017423.2, NM_001323415.2); c.2012A>C, p.Tyr671Ser (NM_001323412.2, NM_001323416.2); c.2345A>C, p.Tyr782Ser (NM_001323413.2, NM_001323414.2); c.2240A>C, p.Tyr747Ser (NM_001323417.2); c.2006A>C, p.Tyr669Ser (NM_001323418.2); c.1709A>C, p.Tyr570Ser (NM_001323419.2); short protein forms Y782S, Y669S, Y570S, Y747S, Y671S, Y780S.
Identifiers: ClinVar variation 382498 (VCV000382498.8), dbSNP rs774047299, ClinGen allele CA5620083.

ClinVar aggregate classification (germline): Conflicting classifications of pathogenicity. Review status: criteria provided, conflicting classifications (1 of 4 stars). 3 submissions from 3 submitters: Likely pathogenic (1); Uncertain significance (2). Last evaluated 2025-11-14.

Conditions:
Autosomal dominant spastic paraplegia type 9. Identifiers: MedGen C1832669, MONDO:0015091.
de Barsy syndrome. Also called: Cutis laxa-corneal clouding-oligophrenia syndrome. Identifiers: Orphanet 2962, MedGen C0268354, MONDO:0017569.
Cutis laxa, autosomal dominant 3 (ADCL3). Identifiers: Orphanet 90348, MedGen C4225268, MONDO:0014706, OMIM 616603.
ALDH18A1-related de Barsy syndrome. Also called: DE BARSY SYNDROME A; Cutis laxa, autosomal recessive IIIA. Identifiers: Orphanet 2962, Orphanet 35664, MedGen C5234852, MONDO:0009053, OMIM 219150.

Allele frequency attached by ClinVar (database versions not stated): TOPMed below 0.00001.
gnomAD v4.1: 2 of 1,614,180 alleles (0.00012%); highest among the groups gnomAD compares: Non-Finnish European, 0.00017%; no homozygotes.

Submissions (3):

Labcorp Genetics (formerly Invitae), Labcorp
Classification: Uncertain significance for Autosomal dominant spastic paraplegia type 9; de Barsy syndrome; Cutis laxa, autosomal dominant 3. Last evaluated: 2025-11-14. Review status: criteria provided, single submitter. Criteria: Invitae Variant Classification Sherloc (09022015). Collection method: clinical testing. Allele origin: germline.
Comment: This sequence change replaces tyrosine, which is neutral and polar, with serine, which is neutral and polar, at codon 782 of the ALDH18A1 protein (p.Tyr782Ser). This variant is present in population databases (rs774047299, gnomAD 0.002%). This variant has not been reported in the literature in individuals affected with ALDH18A1-related conditions. ClinVar contains an entry for this variant (Variation ID: 382498). Invitae Evidence Modeling of protein sequence and biophysical properties (such as structural, functional, and spatial information, amino acid conservation, physicochemical variation, residue mobility, and thermodynamic stability) has been performed for this missense variant. However, the output from this modeling did not meet the statistical confidence thresholds required to predict the impact of this variant on ALDH18A1 protein function. In summary, the available evidence is currently insufficient to determine the role of this variant in disease. Therefore, it has been classified as a Variant of Uncertain Significance.

Institute of Human Genetics Munich, TUM University Hospital
Classification: Likely pathogenic for ALDH18A1-related de Barsy syndrome. Last evaluated: 2018-10-10. Review status: criteria provided, single submitter. Criteria: Classification criteria August 2017. Collection method: clinical testing. Allele origin: germline. Inheritance: Autosomal recessive inheritance. Affected: yes. Observed: 1 compound heterozygote.

GeneDx
Classification: Uncertain significance. Last evaluated: 2017-11-15. Review status: criteria provided, single submitter. Criteria: GeneDx Variant Classification (06012015). Collection method: clinical testing. Allele origin: germline. Affected: yes.
Comment: The Y782S variant in the ALDH18A gene has not been reported previously as a pathogenic variant, nor as a benign variant, to our knowledge. The Y782S variant was not observed in approximately XXXX individuals of European and African American ancestry in the NHLBI Exome Sequencing Project, indicating it is not a common benign variant in these populations. The Y782S variant is a semi-conservative amino acid substitution, which may impact secondary protein structure as these residues differ in some properties. This substitution occurs at a position that is conserved across species. In silico analysis predicts this variant is probably damaging to the protein structure/function. Missense variants in the same and nearby residues (T782C, H784Y) have been reported in the Human Gene Mutation Database in association with ALDH18A-related disorder (Stenson et al., 2014), supporting the functional importance of this region of the protein. We interpret Y782S as a variant of uncertain significance.